The following is an entry in ClinVar:

NM_032608.7(MYO18B):c.5909C>T (p.Ala1970Val)

Gene: MYO18B (myosin XVIIIB; plus strand). Cytogenetic location: 22q12.1.
Variant type: single nucleotide variant.
Coding change: c.5909C>T on transcript NM_032608.7 (MANE Select); coding-DNA position 5909, C replaced by T.
Protein change: p.Ala1970Val; replaces alanine 1970 with valine.
Molecular consequence: missense variant.
Genome position (GRCh38, 1-based): chr22:25,952,362, C>T. VCF-style: chr22-25952362-C-T. GRCh37 (hg19) VCF-style: chr22-26348328-C-T.
Other names: c.5912C>T, p.Ala1971Val (NM_001318245.2); c.5909C>T (NM_032608.5); short protein forms A1971V, A1970V.
Identifiers: ClinVar variation 2077009 (VCV002077009.4), dbSNP rs780142171, ClinGen allele CA10161328.
Genomic context (GRCh38, chr22:25,952,362, plus strand): 5'-TGCGCATCGAGTACCTGGAACAGTCCACCGTGGATCGAGCCATCGTCAGCAGGCAGGAGG[C>T]GGTCATCTGTGACCTAGAGAACAAGACAGAGTTCCAGAAGGTGCAGATTAAGAGATTTGA-3'
Protein context (NP_115997.5, residues 1960-1980): VDRAIVSRQE[Ala1970Val]VICDLENKTE

ClinVar aggregate classification (germline): Uncertain significance. Review status: criteria provided, multiple submitters, no conflicts (2 of 4 stars). 2 submissions from 2 submitters: Uncertain significance (2). Last evaluated 2026-09-10.

Conditions:
Inborn genetic diseases. Identifiers: MedGen C0950123, MeSH D030342.

Allele frequency attached by ClinVar (database versions not stated): ExAC 0.00004; TOPMed 0.00001; gnomAD 0.00001.
gnomAD v4.1: 24 of 1,612,480 alleles (0.0015%); highest among the groups gnomAD compares: South Asian, 0.0022%; no homozygotes.

Submissions (2):

Ambry Genetics
Classification: Uncertain significance for Inborn genetic diseases. Last evaluated: 2026-09-10. Review status: criteria provided, single submitter. Criteria: Ambry Variant Classification Scheme 2023. Collection method: clinical testing. Allele origin: germline.

Labcorp Genetics (formerly Invitae), Labcorp
Classification: Uncertain significance. Last evaluated: 2022-04-03. Review status: criteria provided, single submitter. Criteria: Invitae Variant Classification Sherloc (09022015). Collection method: clinical testing. Allele origin: germline.
Comment: In summary, the available evidence is currently insufficient to determine the role of this variant in disease. Therefore, it has been classified as a Variant of Uncertain Significance. Algorithms developed to predict the effect of missense changes on protein structure and function are either unavailable or do not agree on the potential impact of this missense change (SIFT: "Not Available"; PolyPhen-2: "Probably Damaging"; Align-GVGD: "Not Available"). This variant has not been reported in the literature in individuals affected with MYO18B-related conditions. This variant is present in population databases (rs780142171, gnomAD 0.003%). This sequence change replaces alanine, which is neutral and non-polar, with valine, which is neutral and non-polar, at codon 1970 of the MYO18B protein (p.Ala1970Val).